The following is an entry in ClinVar:

ClinVar aggregate classification (germline): Uncertain significance (1 of 4 stars; one submission).

gnomAD v4.1: 4 of 1,614,150 alleles (0.00025%); highest among the groups gnomAD compares: Middle Eastern, 0.016%; no homozygotes.

Submission:

GeneDx
Classification: Uncertain significance. Last evaluated: 2022-01-31. Review status: criteria provided, single submitter. Criteria: GeneDx Variant Classification Process June 2021. Collection method: clinical testing. Allele origin: germline. Affected: yes.
Comment: Not observed at significant frequency in large population cohorts (gnomAD); In silico analysis supports that this missense variant has a deleterious effect on protein structure/function; Has not been previously published as pathogenic or benign to our knowledge

NM_017951.5(SMPD4):c.1393A>C (p.Met465Leu)

Gene: SMPD4 (sphingomyelin phosphodiesterase 4; minus strand). Cytogenetic location: 2q21.1.
Variant type: single nucleotide variant.
Coding change: c.1393A>C on transcript NM_017951.5 (MANE Select); coding-DNA position 1393, A replaced by C.
Protein change: p.Met465Leu; replaces methionine 465 with leucine.
Molecular consequence: missense variant. On other transcripts: non-coding transcript variant (2).
Genome position (GRCh38, 1-based): chr2:130,155,156, T>G on the plus strand (A>C on the coding strand, the complement: SMPD4 is on the minus strand). VCF-style: chr2-130155156-T-G. GRCh37 (hg19) VCF-style: chr2-130912729-T-G.
Other names: c.1204A>C, p.Met402Leu (NM_001171083.2); c.1423A>C, p.Met475Leu (NM_017751.4); short protein forms M402L, M465L, M475L.
Identifiers: ClinVar variation 1699554 (VCV001699554.2), dbSNP rs2104806838, ClinGen allele CA348474843.